The following is an entry in ClinVar:

NM_030973.4(MED25):c.602del (p.Pro201fs)

Gene: MED25 (mediator complex subunit 25; plus strand). Cytogenetic location: 19q13.33.
Variant type: Deletion.
Coding change: c.602del on transcript NM_030973.4 (MANE Select); coding-DNA position 602, one base deleted (C; older notation c.602delC).
Protein change: p.Pro201fs; shifts the reading frame from proline 201.
Molecular consequence: frameshift variant.
Genome position (GRCh38, 1-based): chr19:49,829,862, C deleted; the last of 7 consecutive C bases (chr19:49,829,856-49,829,862); deleting any one gives the same sequence. VCF-style (leftmost placement, unchanged base first): chr19-49829855-GC-G. GRCh37 (hg19) VCF-style: chr19-50333112-GC-G.
Other names: c.602del, p.Pro201fs (NM_001378355.1); c.602delC (NM_030973.3); short protein forms P201fs.
Identifiers: ClinVar variation 543208 (VCV000543208.5), dbSNP rs748546983, ClinGen allele CA9584922.

ClinVar aggregate classification (germline): Conflicting classifications of pathogenicity. Review status: criteria provided, conflicting classifications (1 of 4 stars). 2 submissions from 2 submitters: Likely pathogenic (1); Uncertain significance (1). Last evaluated 2025-02-28.

Conditions:
Congenital cataract-microcephaly-nevus flammeus simplex-severe intellectual disability syndrome. Also called: Basel-Vanagaite-Smirin-Yosef syndrome. Identifiers: Orphanet 464738, MedGen C4225323, MONDO:0014643, OMIM 616449.
Charcot-Marie-Tooth disease type 2. Also called: Charcot-Marie-Tooth type 2. Identifiers: Orphanet 64746, MedGen C0270914, MONDO:0018993.

Submissions (2):

Laboratorio de Genetica e Diagnostico Molecular, Hospital Israelita Albert Einstein
Classification: Likely pathogenic for Congenital cataract-microcephaly-nevus flammeus simplex-severe intellectual disability syndrome. Last evaluated: 2025-02-28. Review status: criteria provided, single submitter. Criteria: ACMG Guidelines, 2015. Collection method: clinical testing. Allele origin: germline. Affected: yes.
Comment: ACMG classification criteria: PVS1 very strong, PM2 supporting

Labcorp Genetics (formerly Invitae), Labcorp
Classification: Uncertain significance for Charcot-Marie-Tooth disease type 2. Last evaluated: 2022-08-09. Review status: criteria provided, single submitter. Criteria: Invitae Variant Classification Sherloc (09022015). Collection method: clinical testing. Allele origin: germline.
Comment: This sequence change creates a premature translational stop signal (p.Pro201Argfs*13) in the MED25 gene. It is expected to result in an absent or disrupted protein product. However, the current clinical and genetic evidence is not sufficient to establish whether loss-of-function variants in MED25 cause disease. The frequency data for this variant in the population databases is considered unreliable, as metrics indicate poor data quality at this position in the gnomAD database. This variant has not been reported in the literature in individuals affected with MED25-related conditions. ClinVar contains an entry for this variant (Variation ID: 543208). In summary, the available evidence is currently insufficient to determine the role of this variant in disease. Therefore, it has been classified as a Variant of Uncertain Significance.